The following is an entry in ClinVar:

ClinVar aggregate classification (germline): Uncertain significance (1 of 4 stars; one submission).

gnomAD v4.1: 1 of 1,613,698 alleles (0.000062%); highest among the groups gnomAD compares: Non-Finnish European, 0.000085%; no homozygotes.

Submission:

GeneDx
Classification: Uncertain significance. Last evaluated: 2024-08-14. Review status: criteria provided, single submitter. Criteria: GeneDx Variant Classification Process June 2021. Collection method: clinical testing. Allele origin: germline. Affected: yes.
Comment: Has not been previously published as pathogenic or benign to our knowledge; Not observed at significant frequency in large population cohorts (gnomAD); In silico analysis indicates that this missense variant does not alter protein structure/function

NM_000501.4(ELN):c.1963C>T (p.Leu655Phe)

Gene: ELN (elastin; plus strand). Cytogenetic location: 7q11.23.
Variant type: single nucleotide variant.
Coding change: c.1963C>T on transcript NM_000501.4 (MANE Select); coding-DNA position 1963, C replaced by T.
Protein change: p.Leu655Phe; replaces leucine 655 with phenylalanine.
Molecular consequence: missense variant.
Genome position (GRCh38, 1-based): chr7:74,063,665, C>T. VCF-style: chr7-74063665-C-T. GRCh37 (hg19) VCF-style: chr7-73477995-C-T.
Other names: c.1876C>T, p.Leu626Phe (NM_001081752.3); c.1921C>T, p.Leu641Phe (NM_001081753.3); c.1978C>T, p.Leu660Phe (NM_001081754.3); c.1906C>T, p.Leu636Phe (NM_001081755.3); c.1963C>T, p.Leu655Phe (NM_001278912.2); c.1720C>T, p.Leu574Phe (NM_001278913.2); c.1891C>T, p.Leu631Phe (NM_001278914.2); c.1981C>T, p.Leu661Phe (NM_001278915.2); and 4 more; short protein forms L566F, L574F, L717F, L626F, L661F, L631F, L636F, L655F.
Identifiers: ClinVar variation 3731137 (VCV003731137.1).